The following is an entry in ClinVar:

NM_017780.4(CHD7):c.8846A>T (p.Asp2949Val)

Gene: CHD7 (chromodomain helicase DNA binding protein 7; plus strand). Cytogenetic location: 8q12.2.
Variant type: single nucleotide variant.
Coding change: c.8846A>T on transcript NM_017780.4 (MANE Select); coding-DNA position 8846, A replaced by T.
Protein change: p.Asp2949Val; replaces aspartic acid 2949 with valine.
Molecular consequence: missense variant.
Genome position (GRCh38, 1-based): chr8:60,865,785, A>T. VCF-style: chr8-60865785-A-T. GRCh37 (hg19) VCF-style: chr8-61778344-A-T.
Other names: c.2699A>T, p.Asp900Val (NM_001316690.1); short protein forms D900V, D2949V.
Identifiers: ClinVar variation 2014099 (VCV002014099.4), dbSNP rs2488153582, ClinGen allele CA371312526.
Genomic context (GRCh38, chr8:60,865,785, plus strand): 5'-ATGCCGTGGGCTCCAGCGAAGAAAAGGCTGCTGACAAGGCTGAGGGAGGACCCTTTAAAG[A>T]TGGAGAGACCCTTGAAGGCAGCGATGCCGAGGAGAGCCTGGATAAGACTGCAGAGTCCTC-3'
Protein context (NP_060250.2, residues 2939-2959): ADKAEGGPFK[Asp2949Val]GETLEGSDAE

ClinVar aggregate classification (germline): Uncertain significance (1 of 4 stars; one submission).

Conditions:
CHARGE syndrome (CHARGE). Also called: Hittner Hirsch Kreh syndrome; CHARGE ASSOCIATION--COLOBOMA, HEART ANOMALY, CHOANAL ATRESIA, RETARDATION, GENITAL AND EAR ANOMALIES; Coloboma, heart anomaly, choanal atresia, retardation, genital and ear anomalies; CHARGE association; Hall-Hittner syndrome. Identifiers: Orphanet 138, MedGen C0265354, MONDO:0008965.

Submission:

Labcorp Genetics (formerly Invitae), Labcorp
Classification: Uncertain significance for CHARGE syndrome. Last evaluated: 2024-11-18. Review status: criteria provided, single submitter. Criteria: Invitae Variant Classification Sherloc (09022015). Collection method: clinical testing. Allele origin: germline.
Comment: This sequence change replaces aspartic acid, which is acidic and polar, with valine, which is neutral and non-polar, at codon 2949 of the CHD7 protein (p.Asp2949Val). This variant is not present in population databases (gnomAD no frequency). This variant has not been reported in the literature in individuals affected with CHD7-related conditions. ClinVar contains an entry for this variant (Variation ID: 2014099). Invitae Evidence Modeling of protein sequence and biophysical properties (such as structural, functional, and spatial information, amino acid conservation, physicochemical variation, residue mobility, and thermodynamic stability) indicates that this missense variant is not expected to disrupt CHD7 protein function with a negative predictive value of 95%. In summary, the available evidence is currently insufficient to determine the role of this variant in disease. Therefore, it has been classified as a Variant of Uncertain Significance.